The following is an entry in ClinVar:

ClinVar aggregate classification (germline): Uncertain significance (1 of 4 stars; one submission).

Conditions:
KBG syndrome (KBGS). Also called: ANKRD11-Related KBG Syndrome. Identifiers: Orphanet 2332, MedGen C0220687, MONDO:0007846, OMIM 148050.

Submission:

Labcorp Genetics (formerly Invitae), Labcorp
Classification: Uncertain significance for KBG syndrome. Last evaluated: 2024-10-30. Review status: criteria provided, single submitter. Criteria: Invitae Variant Classification Sherloc (09022015). Collection method: clinical testing. Allele origin: germline.
Comment: This sequence change replaces glycine, which is neutral and non-polar, with serine, which is neutral and polar, at codon 2108 of the ANKRD11 protein (p.Gly2108Ser). This variant is not present in population databases (gnomAD no frequency). This variant has not been reported in the literature in individuals affected with ANKRD11-related conditions. Invitae Evidence Modeling of protein sequence and biophysical properties (such as structural, functional, and spatial information, amino acid conservation, physicochemical variation, residue mobility, and thermodynamic stability) indicates that this missense variant is not expected to disrupt ANKRD11 protein function with a negative predictive value of 95%. In summary, the available evidence is currently insufficient to determine the role of this variant in disease. Therefore, it has been classified as a Variant of Uncertain Significance.

NM_013275.6(ANKRD11):c.6322G>A (p.Gly2108Ser)

Gene: ANKRD11 (ankyrin repeat domain 11; minus strand). Cytogenetic location: 16q24.3.
Variant type: single nucleotide variant.
Coding change: c.6322G>A on transcript NM_013275.6 (MANE Select); coding-DNA position 6322, G replaced by A.
Protein change: p.Gly2108Ser; replaces glycine 2108 with serine.
Molecular consequence: missense variant.
Genome position (GRCh38, 1-based): chr16:89,280,220, C>T on the plus strand (G>A on the coding strand, the complement: ANKRD11 is on the minus strand). VCF-style: chr16-89280220-C-T. GRCh37 (hg19) VCF-style: chr16-89346628-C-T.
Other names: c.6322G>A, p.Gly2108Ser (NM_001256182.2, NM_001256183.2); short protein forms G2108S.
Identifiers: ClinVar variation 3624749 (VCV003624749.2).